The following is an entry in ClinVar:

NM_000182.5(HADHA):c.1108G>A (p.Gly370Arg)

Genes: GAREM2 (GRB2 associated regulator of MAPK1 subtype 2; plus strand), HADHA (hydroxyacyl-CoA dehydrogenase trifunctional multienzyme complex subunit alpha; minus strand). Cytogenetic location: 2p23.3.
Variant type: single nucleotide variant.
Coding change: c.1108G>A on transcript NM_000182.5 (MANE Select); coding-DNA position 1108, G replaced by A.
Protein change: p.Gly370Arg; replaces glycine 370 with arginine.
Molecular consequence: missense variant.
Genome position (GRCh38, 1-based): chr2:26,204,174, C>T on the plus strand (G>A on the coding strand, the complement: HADHA is on the minus strand). VCF-style: chr2-26204174-C-T. GRCh37 (hg19) VCF-style: chr2-26427043-C-T.
Other names: short protein forms G370R.
Identifiers: ClinVar variation 3902670 (VCV003902670.1).

ClinVar aggregate classification (germline): Uncertain significance (1 of 4 stars; one submission).

Submission:

Women's Health and Genetics/Laboratory Corporation of America, LabCorp
Classification: Uncertain significance. Last evaluated: 2025-05-27. Review status: criteria provided, single submitter. Criteria: LabCorp Variant Classification Summary - May 2015. Collection method: clinical testing. Allele origin: germline.
Comment: Variant summary: HADHA c.1108G>A (p.Gly370Arg) results in a non-conservative amino acid change in the encoded protein sequence. Algorithms developed to predict the effect of missense changes on protein structure and function all suggest that this variant is likely to be disruptive. The variant was absent in 251460 control chromosomes. The available data on variant occurrences in the general population are insufficient to allow any conclusion about variant significance. c.1108G>A has been observed in at least one compound heterozygous individual affected with Long Chain 3-Hydroxyacyl-CoA Dehydrogenase Deficiency (e,g, Dessein_2022, Rouyer_2024). These data do not allow any conclusion about variant significance. To our knowledge, no experimental evidence demonstrating an impact on protein function has been reported. The following publications have been ascertained in the context of this evaluation (PMID: 35782617, 38015438). No submitters have cited clinical-significance assessments for this variant to ClinVar. Based on the evidence outlined above, the variant was classified as uncertain significance.

Literature cited by the submitters: PubMed 38015438; PubMed 35782617.